The following is an entry in ClinVar:

ClinVar aggregate classification (germline): Uncertain significance (1 of 4 stars; one submission).

Conditions:
Growth hormone insensitivity with immune dysregulation 1, autosomal recessive. Also called: Laron syndrome with immunodeficiency; GROWTH HORMONE INSENSITIVITY SYNDROME WITH IMMUNE DYSREGULATION 1, AUTOSOMAL RECESSIVE; GROWTH HORMONE INSENSITIVITY DUE TO POSTRECEPTOR DEFECT; LARON SYNDROME DUE TO POSTRECEPTOR DEFECT. Identifiers: Orphanet 220465, MedGen C5435698, MONDO:0100211, OMIM 245590.

Submission:

Labcorp Genetics (formerly Invitae), Labcorp
Classification: Uncertain significance for Growth hormone insensitivity with immune dysregulation 1, autosomal recessive. Last evaluated: 2021-07-19. Review status: criteria provided, single submitter. Criteria: Invitae Variant Classification Sherloc (09022015). Collection method: clinical testing. Allele origin: germline.
Comment: This sequence change replaces threonine with isoleucine at codon 436 of the STAT5B protein (p.Thr436Ile). The threonine residue is highly conserved and there is a moderate physicochemical difference between threonine and isoleucine. This variant is not present in population databases (ExAC no frequency). This variant has not been reported in the literature in individuals with STAT5B-related conditions. Algorithms developed to predict the effect of missense changes on protein structure and function are either unavailable or do not agree on the potential impact of this missense change (SIFT: "Tolerated"; PolyPhen-2: "Probably Damaging"; Align-GVGD: "Class C0"). In summary, the available evidence is currently insufficient to determine the role of this variant in disease. Therefore, it has been classified as a Variant of Uncertain Significance.

NM_012448.4(STAT5B):c.1307C>T (p.Thr436Ile)

Gene: STAT5B (signal transducer and activator of transcription 5B; minus strand). Cytogenetic location: 17q21.2.
Variant type: single nucleotide variant.
Coding change: c.1307C>T on transcript NM_012448.4 (MANE Select); coding-DNA position 1307, C replaced by T.
Protein change: p.Thr436Ile; replaces threonine 436 with isoleucine.
Molecular consequence: missense variant.
Genome position (GRCh38, 1-based): chr17:42,217,233, G>A on the plus strand (C>T on the coding strand, the complement: STAT5B is on the minus strand). VCF-style: chr17-42217233-G-A. GRCh37 (hg19) VCF-style: chr17-40369251-G-A.
Other names: short protein forms T436I.
Identifiers: ClinVar variation 936221 (VCV000936221.10), dbSNP rs2080179591, ClinGen allele CA399581238.
Genomic context (GRCh38, chr17:42,217,233, plus strand): 5'-ACCAGCTCATTTCCACCAACACTGAACTGGGATTCAAACAGGATTGTAAATTTTTCTTCT[G>A]TCACCGACTCTGCCCCACGACGGTCTGACCTCTTAATTCGTTTCAGGGACTACAAAGAAG-3'
Protein context (NP_036580.2, residues 426-446): RSDRRGAESV[Thr436Ile]EEKFTILFES